The following is an entry in ClinVar:

NM_194248.3(OTOF):c.5107C>T (p.Arg1703Cys)

Genes: OTOF (otoferlin; minus strand), LOC112840921 (BRD4-independent group 4 enhancer GRCh37_chr2:26685720-26686919; plus strand). Cytogenetic location: 2p23.3.
Variant type: single nucleotide variant.
Coding change: c.5107C>T on transcript NM_194248.3 (MANE Select); coding-DNA position 5107, C replaced by T.
Protein change: p.Arg1703Cys; replaces arginine 1703 with cysteine.
Molecular consequence: missense variant.
Genome position (GRCh38, 1-based): chr2:26,463,568, G>A on the plus strand (C>T on the coding strand, the complement: OTOF is on the minus strand). VCF-style: chr2-26463568-G-A. GRCh37 (hg19) VCF-style: chr2-26686436-G-A.
Other names: c.5107C>T, p.Arg1703Cys (NM_001287489.2); c.2806C>T, p.Arg936Cys (NM_004802.4, NM_194323.3); c.3037C>T, p.Arg1013Cys (NM_194322.3); short protein forms R1013C, R1703C, R936C.
Identifiers: ClinVar variation 2501583 (VCV002501583.2), dbSNP rs771562117, ClinGen allele CA1562927.

ClinVar aggregate classification (germline): Uncertain significance (1 of 4 stars; one submission).

Allele frequency attached by ClinVar (database versions not stated): gnomAD exomes 0.00003; ExAC 0.00004; TOPMed 0.00005; gnomAD 0.00007.
gnomAD v4.1: 50 of 1,600,654 alleles (0.0031%); highest among the groups gnomAD compares: Admixed American, 0.031%; no homozygotes.

Submission:

GeneDx
Classification: Uncertain significance. Last evaluated: 2024-03-15. Review status: criteria provided, single submitter. Criteria: GeneDx Variant Classification Process June 2021. Collection method: clinical testing. Allele origin: germline. Affected: yes.
Comment: In silico analysis supports that this missense variant has a deleterious effect on protein structure/function; Has not been previously published as pathogenic or benign to our knowledge